The following is an entry in ClinVar:

ClinVar aggregate classification (germline): Conflicting classifications of pathogenicity. Review status: criteria provided, conflicting classifications (1 of 4 stars). 3 submissions from 3 submitters: Likely pathogenic (1); Uncertain significance (1). 1 of the submissions does not count toward it. Last evaluated 2025-08-07.

Conditions:
Retinitis pigmentosa 33 (RP33). Identifiers: Orphanet 791, MedGen C1835895, MONDO:0012477, OMIM 610359.
SNRNP200-related disorder. Also called: SNRNP200-related condition.

Submissions (3):

Labcorp Genetics (formerly Invitae), Labcorp
Classification: Uncertain significance. Last evaluated: 2025-08-07. Review status: criteria provided, single submitter. Criteria: Invitae Variant Classification Sherloc (09022015). Collection method: clinical testing. Allele origin: germline.
Comment: This sequence change replaces arginine, which is basic and polar, with histidine, which is basic and polar, at codon 545 of the SNRNP200 protein (p.Arg545His). This variant is not present in population databases (gnomAD no frequency). This missense change has been observed in individuals with autosomal recessive retinal disease (PMID: 31260034; internal data). ClinVar contains an entry for this variant (Variation ID: 839537). Invitae Evidence Modeling of protein sequence and biophysical properties (such as structural, functional, and spatial information, amino acid conservation, physicochemical variation, residue mobility, and thermodynamic stability) has been performed for this missense variant. However, the output from this modeling did not meet the statistical confidence thresholds required to predict the impact of this variant on SNRNP200 protein function. In summary, the available evidence is currently insufficient to determine the role of this variant in disease. Therefore, it has been classified as a Variant of Uncertain Significance.

Institute of Medical Molecular Genetics, University of Zurich
Classification: Likely pathogenic for Retinitis pigmentosa 33. Last evaluated: 2021-01-30. Review status: criteria provided, single submitter. Criteria: ACMG Guidelines, 2015. Collection method: clinical testing. Allele origin: unknown. Affected: yes.

PreventionGenetics, part of Exact Sciences
Classification: Uncertain significance for SNRNP200-related condition. Last evaluated: 2024-07-17. Review status: no assertion criteria provided. Collection method: clinical testing. Allele origin: germline. Not counted in ClinVar's aggregate classification.
Comment: The SNRNP200 c.1634G>A variant is predicted to result in the amino acid substitution p.Arg545His. This variant has been reported in the homozygous state in an individual with retinitis pigmentosa (Gerth-Kahlert et al. 2019. PubMed ID: 31260034). This variant is absent from the large population database gnomAD, indicating this variant is rare. Although we suspect that this variant may be pathogenic for autosomal recessive disease, at this time, the clinical significance of this variant is uncertain due to the absence of conclusive functional and genetic evidence.

Literature cited by the submitters: PubMed 31260034 (cited by Labcorp Genetics (formerly Invitae), Labcorp).

NM_014014.5(SNRNP200):c.1634G>A (p.Arg545His)

Gene: SNRNP200 (small nuclear ribonucleoprotein U5 subunit 200; minus strand). Cytogenetic location: 2q11.2.
Variant type: single nucleotide variant.
Coding change: c.1634G>A on transcript NM_014014.5 (MANE Select); coding-DNA position 1634, G replaced by A.
Protein change: p.Arg545His; replaces arginine 545 with histidine.
Molecular consequence: missense variant.
Genome position (GRCh38, 1-based): chr2:96,296,573, C>T on the plus strand (G>A on the coding strand, the complement: SNRNP200 is on the minus strand). VCF-style: chr2-96296573-C-T. GRCh37 (hg19) VCF-style: chr2-96962311-C-T.
Other names: short protein forms R545H.
Identifiers: ClinVar variation 839537 (VCV000839537.11), dbSNP rs2063918355, ClinGen allele CA347681962.